The following is an entry in ClinVar:

ClinVar aggregate classification (germline): Benign/Likely benign. Review status: criteria provided, multiple submitters, no conflicts (2 of 4 stars). 7 submissions from 7 submitters: Benign (4); Likely benign (3). Last evaluated 2026-09-01.

Conditions:
Schinzel-Giedion syndrome (SGS). Identifiers: Orphanet 798, MedGen C0265227, MONDO:0010010, OMIM 269150.

Allele frequency attached by ClinVar (database versions not stated): ESP Exome Variant Server 0.00031; 1000 Genomes Project 0.00040; gnomAD 0.00045; 1000 Genomes Project 30x 0.00047; TOPMed 0.00073.
gnomAD v4.1: 795 of 1,613,994 alleles (0.049%); highest among the groups gnomAD compares: Admixed American, 0.2%; 1 homozygote.

Submissions (7):

CeGaT Center for Human Genetics Tuebingen
Classification: Likely benign. Last evaluated: 2026-09-01. Review status: criteria provided, single submitter. Criteria: CeGaT Center For Human Genetics Tuebingen Variant Classification Criteria Version 2. Collection method: clinical testing. Allele origin: germline. Affected: yes. Observed: 2 variant alleles.
Comment: SETBP1: BS1

Labcorp Genetics (formerly Invitae), Labcorp
Classification: Benign. Last evaluated: 2026-01-19. Review status: criteria provided, single submitter. Criteria: Invitae Variant Classification Sherloc (09022015). Collection method: clinical testing. Allele origin: germline.

Blueprint Genetics
Classification: Likely benign. Last evaluated: 2024-07-09. Review status: criteria provided, single submitter. Criteria: ACMG Guidelines, 2015. Collection method: clinical testing. Allele origin: germline.

Athena Diagnostics
Classification: Benign. Last evaluated: 2024-01-18. Review status: criteria provided, single submitter. Criteria: Athena Diagnostics Criteria. Collection method: clinical testing. Allele origin: unknown.

Mayo Clinic Laboratories, Mayo Clinic
Classification: Benign. Last evaluated: 2020-06-09. Review status: criteria provided, single submitter. Criteria: ACMG Guidelines, 2015. Collection method: clinical testing. Allele origin: germline. Observed: 1 variant allele.

Mendelics
Classification: Likely benign for Schinzel-Giedion syndrome. Last evaluated: 2019-05-28. Review status: criteria provided, single submitter. Criteria: Mendelics Assertion Criteria 2017. Collection method: clinical testing. Allele origin: unknown.

GeneDx
Classification: Benign. Last evaluated: 2019-04-11. Review status: criteria provided, single submitter. Criteria: GeneDx Variant Classification Process June 2021. Collection method: clinical testing. Allele origin: germline. Affected: yes.
Comment: This variant is associated with the following publications: (PMID: 23222956)

Literature cited by the submitters: PubMed 23222956 (cited by Athena Diagnostics).

NM_015559.3(SETBP1):c.3962G>A (p.Arg1321His)

Gene: SETBP1 (SET binding protein 1; plus strand). Cytogenetic location: 18q12.3.
Variant type: single nucleotide variant.
Coding change: c.3962G>A on transcript NM_015559.3 (MANE Select); coding-DNA position 3962, G replaced by A.
Protein change: p.Arg1321His; replaces arginine 1321 with histidine.
Molecular consequence: missense variant.
Genome position (GRCh38, 1-based): chr18:44,953,302, G>A. VCF-style: chr18-44953302-G-A. GRCh37 (hg19) VCF-style: chr18-42533267-G-A.
Other names: p.Arg1321His; short protein forms R1321H.
Identifiers: ClinVar variation 706500 (VCV000706500.40), dbSNP rs149638556, ClinGen allele CA8946033.